The following is an entry in ClinVar:

NM_006912.6(RIT1):c.393T>C (p.Leu131=)

Gene: RIT1 (Ras like without CAAX 1; minus strand). Cytogenetic location: 1q22.
Variant type: single nucleotide variant.
Coding change: c.393T>C on transcript NM_006912.6 (MANE Select); coding-DNA position 393, T replaced by C.
Protein change: p.Leu131=; no amino-acid change (leucine 131 retained).
Molecular consequence: synonymous variant.
Genome position (GRCh38, 1-based): chr1:155,904,347, A>G on the plus strand (T>C on the coding strand, the complement: RIT1 is on the minus strand). VCF-style: chr1-155904347-A-G. GRCh37 (hg19) VCF-style: chr1-155874138-A-G.
Other names: c.285T>C, p.Leu95= (NM_001256820.2); c.444T>C, p.Leu148= (NM_001256821.2); c.393T>C, p.Leu131= (LRG_1372t1).
Identifiers: ClinVar variation 516224 (VCV000516224.15), dbSNP rs34974790, ClinGen allele CA1151799.

ClinVar aggregate classification (germline): Likely benign. Review status: criteria provided, multiple submitters, no conflicts (2 of 4 stars). 5 submissions from 5 submitters: Likely benign (5). Last evaluated 2025-12-14.

Conditions:
Cardiovascular phenotype. Identifiers: MedGen CN230736.
Noonan syndrome 8 (NS8). Identifiers: Orphanet 648, MedGen C3809233, MONDO:0014143, OMIM 615355.

Allele frequency attached by ClinVar (database versions not stated): gnomAD exomes below 0.00001 and 0.00001; TOPMed below 0.00001; ExAC 0.00001; gnomAD 0.00001.
gnomAD v4.1: 10 of 1,613,974 alleles (0.00062%); highest among the groups gnomAD compares: Middle Eastern, 0.049%; no homozygotes.

Submissions (5):

Labcorp Genetics (formerly Invitae), Labcorp
Classification: Likely benign for Noonan syndrome 8. Last evaluated: 2025-12-14. Review status: criteria provided, single submitter. Criteria: Invitae Variant Classification Sherloc (09022015). Collection method: clinical testing. Allele origin: germline.

Genome-Nilou Lab
Classification: Likely benign for Noonan syndrome 8. Last evaluated: 2023-04-11. Review status: criteria provided, single submitter. Criteria: ACMG Guidelines, 2015. Collection method: clinical testing. Allele origin: germline. Affected: no.

Blueprint Genetics
Classification: Likely benign. Last evaluated: 2022-10-05. Review status: criteria provided, single submitter. Criteria: ACMG Guidelines, 2015. Collection method: clinical testing. Allele origin: germline.

Ambry Genetics
Classification: Likely benign for Cardiovascular phenotype. Last evaluated: 2020-08-30. Review status: criteria provided, single submitter. Criteria: Ambry Variant Classification Scheme 2023. Collection method: clinical testing. Allele origin: germline.

GeneDx
Classification: Likely benign. Last evaluated: 2017-04-27. Review status: criteria provided, single submitter. Criteria: GeneDx Variant Classification (06012015). Collection method: clinical testing. Allele origin: germline. Affected: yes.
Comment: This variant is considered likely benign or benign based on one or more of the following criteria: it is a conservative change, it occurs at a poorly conserved position in the protein, it is predicted to be benign by multiple in silico algorithms, and/or has population frequency not consistent with disease.